The following is an entry in ClinVar:

NM_001271838.2(RSRC1):c.541G>A (p.Glu181Lys)

Gene: RSRC1 (arginine and serine rich coiled-coil 1; plus strand). Cytogenetic location: 3q25.32.
Variant type: single nucleotide variant.
Coding change: c.541G>A on transcript NM_001271838.2 (MANE Select); coding-DNA position 541, G replaced by A.
Protein change: p.Glu181Lys; replaces glutamic acid 181 with lysine.
Molecular consequence: missense variant.
Genome position (GRCh38, 1-based): chr3:158,354,866, G>A. VCF-style: chr3-158354866-G-A. GRCh37 (hg19) VCF-style: chr3-158072655-G-A.
Other names: c.367G>A, p.Glu123Lys (NM_001271834.2); c.541G>A, p.Glu181Lys (NM_016625.4); short protein forms E123K, E181K.
Identifiers: ClinVar variation 3365091 (VCV003365091.1).

ClinVar aggregate classification (germline): Uncertain significance (1 of 4 stars; one submission).

gnomAD v4.1: 87 of 1,551,786 alleles (0.0056%); highest among the groups gnomAD compares: Non-Finnish European, 0.007%; no homozygotes.

Submission:

GeneDx
Classification: Uncertain significance. Last evaluated: 2023-12-06. Review status: criteria provided, single submitter. Criteria: GeneDx Variant Classification Process June 2021. Collection method: clinical testing. Allele origin: germline. Affected: yes.
Comment: In silico analysis supports that this missense variant has a deleterious effect on protein structure/function; Has not been previously published as pathogenic or benign to our knowledge